The following is an entry in ClinVar:

NM_007294.4(BRCA1):c.5423T>A (p.Val1808Glu)

Gene: BRCA1 (BRCA1 DNA repair associated; minus strand). Cytogenetic location: 17q21.31.
Variant type: single nucleotide variant.
Coding change: c.5423T>A on transcript NM_007294.4 (MANE Select); coding-DNA position 5423, T replaced by A.
Protein change: p.Val1808Glu; replaces valine 1808 with glutamic acid.
Molecular consequence: missense variant. On other transcripts: nonsense (17), non-coding transcript variant (1).
Genome position (GRCh38, 1-based): chr17:43,047,687, A>T on the plus strand (T>A on the coding strand, the complement: BRCA1 is on the minus strand). VCF-style: chr17-43047687-A-T. GRCh37 (hg19) VCF-style: chr17-41199704-A-T.
Other names: c.5210T>A, p.Val1737Glu (NM_001407571.1, NM_001407894.1, NM_001407895.1 and 12 more transcripts); c.5489T>A, p.Val1830Glu (NM_001407581.1, NM_001407582.1); c.5486T>A, p.Val1829Glu (NM_001407583.1, NM_001407585.1, NM_001407587.1 and 1 more transcripts); c.5483T>A, p.Val1828Glu (NM_001407590.1, NM_001407591.1); c.5423T>A, p.Val1808Glu (NM_001407593.1, NM_001407594.1, NM_001407596.1 and 5 more transcripts); c.5420T>A, p.Val1807Glu (NM_001407610.1, NM_001407611.1, NM_001407612.1 and 14 more transcripts); c.5417T>A, p.Val1806Glu (NM_001407627.1, NM_001407628.1, NM_001407629.1 and 13 more transcripts); c.5414T>A, p.Val1805Glu (NM_001407644.1, NM_001407645.1); and 83 more; short protein forms V1808E, C679*, V1761E, V704E, V1829E, C1740*, C1782*, V1511E.
Identifiers: ClinVar variation 409308 (VCV000409308.11), dbSNP rs80357358, ClinGen allele CA10590597.

ClinVar aggregate classification (germline): Uncertain significance. Review status: criteria provided, multiple submitters, no conflicts (2 of 4 stars). 2 submissions from 2 submitters: Uncertain significance (2). Last evaluated 2023-10-20.

Conditions:
Hereditary breast ovarian cancer syndrome. Also called: BRCA1- and BRCA2-Associated Hereditary Breast and Ovarian Cancer; Hereditary breast and ovarian cancer syndrome (HBOC); Hereditary breast and ovarian cancer; Hereditary breast and ovarian cancer syndrome; Breast and ovarian cancer; Hereditary breast and/or ovarian cancer syndrome. Identifiers: Orphanet 145, MedGen C0677776, MeSH D061325, MONDO:0003582. Disease mechanism: loss of function.

Submissions (2):

Labcorp Genetics (formerly Invitae), Labcorp
Classification: Uncertain significance for Hereditary breast ovarian cancer syndrome. Last evaluated: 2023-10-20. Review status: criteria provided, single submitter. Criteria: Invitae Variant Classification Sherloc (09022015). Collection method: clinical testing. Allele origin: germline.
Comment: This sequence change replaces valine, which is neutral and non-polar, with glutamic acid, which is acidic and polar, at codon 1808 of the BRCA1 protein (p.Val1808Glu). This variant is not present in population databases (gnomAD no frequency). This variant has not been reported in the literature in individuals affected with BRCA1-related conditions. ClinVar contains an entry for this variant (Variation ID: 409308). Advanced modeling of protein sequence and biophysical properties (such as structural, functional, and spatial information, amino acid conservation, physicochemical variation, residue mobility, and thermodynamic stability) has been performed at Invitae for this missense variant, however the output from this modeling did not meet the statistical confidence thresholds required to predict the impact of this variant on BRCA1 protein function. In summary, the available evidence is currently insufficient to determine the role of this variant in disease. Therefore, it has been classified as a Variant of Uncertain Significance.

GeneDx
Classification: Uncertain significance. Last evaluated: 2019-05-20. Review status: criteria provided, single submitter. Criteria: GeneDx Variant Classification Process June 2021. Collection method: clinical testing. Allele origin: germline. Affected: yes.
Comment: Not observed in large population cohorts (Lek et al., 2016); Has not been previously published as pathogenic or benign to our knowledge